The following is an entry in ClinVar:

NM_032578.4(MYPN):c.986C>T (p.Ala329Val)

Gene: MYPN (myopalladin; plus strand). Cytogenetic location: 10q21.3.
Variant type: single nucleotide variant.
Coding change: c.986C>T on transcript NM_032578.4 (MANE Select); coding-DNA position 986, C replaced by T.
Protein change: p.Ala329Val; replaces alanine 329 with valine.
Molecular consequence: missense variant. On other transcripts: non-coding transcript variant (2).
Genome position (GRCh38, 1-based): chr10:68,143,023, C>T. VCF-style: chr10-68143023-C-T. GRCh37 (hg19) VCF-style: chr10-69902780-C-T.
Other names: c.986C>T, p.Ala329Val (NM_001256267.2); c.104C>T, p.Ala35Val (NM_001256268.2); short protein forms A329V, A35V.
Identifiers: ClinVar variation 663485 (VCV000663485.10), dbSNP rs146148277, ClinGen allele CA5522391.

ClinVar aggregate classification (germline): Conflicting classifications of pathogenicity. Review status: criteria provided, conflicting classifications (1 of 4 stars). 3 submissions from 3 submitters: Uncertain significance (2); Likely benign (1). Last evaluated 2026-08-13.

Conditions:
Cardiovascular phenotype. Identifiers: MedGen CN230736.
Dilated cardiomyopathy 1KK (CMD1KK). Identifiers: Orphanet 154, Orphanet 75249, MedGen C3714995, MONDO:0014100, OMIM 615248.

Allele frequency attached by ClinVar (database versions not stated): TOPMed 0.00002; gnomAD exomes 0.00003; ExAC 0.00004; ESP Exome Variant Server 0.00008; gnomAD 0.00002.
gnomAD v4.1: 52 of 1,613,934 alleles (0.0032%); highest among the groups gnomAD compares: South Asian, 0.0055%; no homozygotes.

Submissions (3):

Ambry Genetics
Classification: Likely benign for Cardiovascular phenotype. Last evaluated: 2026-08-13. Review status: criteria provided, single submitter. Criteria: Ambry Variant Classification Scheme 2023. Collection method: clinical testing. Allele origin: germline.

Labcorp Genetics (formerly Invitae), Labcorp
Classification: Uncertain significance for Dilated cardiomyopathy 1KK. Last evaluated: 2023-12-22. Review status: criteria provided, single submitter. Criteria: Invitae Variant Classification Sherloc (09022015). Collection method: clinical testing. Allele origin: germline.
Comment: This sequence change replaces alanine, which is neutral and non-polar, with valine, which is neutral and non-polar, at codon 329 of the MYPN protein (p.Ala329Val). This variant is present in population databases (rs146148277, gnomAD 0.02%). This variant has not been reported in the literature in individuals affected with MYPN-related conditions. ClinVar contains an entry for this variant (Variation ID: 663485). An algorithm developed to predict the effect of missense changes on protein structure and function (PolyPhen-2) suggests that this variant¬†is likely to be tolerated. In summary, the available evidence is currently insufficient to determine the role of this variant in disease. Therefore, it has been classified as a Variant of Uncertain Significance.

Revvity Omics, Revvity
Classification: Uncertain significance. Last evaluated: 2023-11-28. Review status: criteria provided, single submitter. Criteria: ACMG Guidelines, 2015. Collection method: clinical testing. Allele origin: germline.

Literature cited by the submitters: PubMed 30086531 (cited by Ambry Genetics).